The following is an entry in ClinVar:

NM_000081.4(LYST):c.196T>C (p.Leu66=)

Gene: LYST (lysosomal trafficking regulator; minus strand). Cytogenetic location: 1q42.3.
Variant type: single nucleotide variant.
Coding change: c.196T>C on transcript NM_000081.4 (MANE Select); coding-DNA position 196, T replaced by C.
Protein change: p.Leu66=; no amino-acid change (leucine 66 retained).
Molecular consequence: synonymous variant.
Genome position (GRCh38, 1-based): chr1:235,813,058, A>G on the plus strand (T>C on the coding strand, the complement: LYST is on the minus strand). VCF-style: chr1-235813058-A-G. GRCh37 (hg19) VCF-style: chr1-235976358-A-G.
Other names: p.Leu66=; c.196T>C, p.Leu66= (NM_001301365.1).
Identifiers: ClinVar variation 296437 (VCV000296437.18), dbSNP rs138393416, ClinGen allele CA1467686.

ClinVar aggregate classification (germline): Conflicting classifications of pathogenicity. Review status: criteria provided, conflicting classifications (1 of 4 stars). 5 submissions from 5 submitters: Uncertain significance (1); Benign (1); Likely benign (3). Last evaluated 2026-01-22.

Conditions:
Chédiak-Higashi syndrome (CHS). Also called: Chediak-Higashi Syndrome. Identifiers: Orphanet 167, MedGen C0007965, MONDO:0008963, OMIM 214500.

Allele frequency attached by ClinVar (database versions not stated): TOPMed 0.00008 and 0.00012; gnomAD exomes 0.00009 and 0.00013; gnomAD 0.00010 and 0.00011; 1000 Genomes Project 30x 0.00016; ExAC 0.00018; 1000 Genomes Project 0.00020; ESP Exome Variant Server 0.00023.
gnomAD v4.1: 147 of 1,567,276 alleles (0.0094%); highest among the groups gnomAD compares: Non-Finnish European, 0.0099%; no homozygotes.

Submissions (5):

Labcorp Genetics (formerly Invitae), Labcorp
Classification: Likely benign for Chédiak-Higashi syndrome. Last evaluated: 2026-01-22. Review status: criteria provided, single submitter. Criteria: Invitae Variant Classification Sherloc (09022015). Collection method: clinical testing. Allele origin: germline.

Mayo Clinic Laboratories, Mayo Clinic
Classification: Likely benign. Last evaluated: 2025-04-01. Review status: criteria provided, single submitter. Criteria: ACMG Guidelines, 2015. Collection method: clinical testing. Allele origin: germline. Observed: 1 variant allele.
Comment: BP4, BP7

Laboratory of Genetics, Children's Clinical University Hospital Latvia
Classification: Benign. Last evaluated: 2025-02-16. Review status: criteria provided, single submitter. Criteria: ACMG Guidelines, 2015. Collection method: clinical testing. Allele origin: germline. Affected: yes.

Blueprint Genetics
Classification: Likely benign. Last evaluated: 2024-07-23. Review status: criteria provided, single submitter. Criteria: ACMG Guidelines, 2015. Collection method: clinical testing. Allele origin: germline.

Illumina Laboratory Services, Illumina
Classification: Uncertain significance for Chédiak-Higashi syndrome. Last evaluated: 2018-01-13. Review status: criteria provided, single submitter. Criteria: ICSL Variant Classification Criteria 13 December 2019. Collection method: clinical testing. Allele origin: germline.